The following is an entry in ClinVar:

ClinVar aggregate classification (germline): Pathogenic. Review status: criteria provided, multiple submitters, no conflicts (2 of 4 stars). 2 submissions from 2 submitters: Pathogenic (2). Last evaluated 2023-09-18.

Conditions:
Hereditary cancer-predisposing syndrome. Also called: Tumor predisposition; Hereditary Cancer Syndrome; Neoplastic Syndromes, Hereditary; Hereditary neoplastic syndrome. Identifiers: Orphanet 140162, MedGen C0027672, MeSH D009386, MONDO:0015356.
Lynch syndrome 4 (LYNCH4). Also called: Colorectal cancer, hereditary nonpolyposis, type 4; Hereditary non-polyposis colorectal cancer, type 4. Identifiers: Orphanet 144, MedGen C1838333, MONDO:0013699, OMIM 614337. Disease mechanism: loss of function.

Submissions (2):

Myriad Genetics, Inc.
Classification: Pathogenic for Lynch syndrome 4. Last evaluated: 2023-09-18. Review status: criteria provided, single submitter. Criteria: Myriad Autosomal Dominant, Autosomal Recessive and X-Linked Classification Criteria (2023). Collection method: clinical testing. Allele origin: unknown.
Comment: This variant is considered pathogenic. This variant creates a termination codon and is predicted to result in premature protein truncation.

Ambry Genetics
Classification: Pathogenic for Hereditary cancer-predisposing syndrome. Last evaluated: 2020-02-14. Review status: criteria provided, single submitter. Criteria: Ambry Variant Classification Scheme 2023. Collection method: clinical testing. Allele origin: germline.
Comment: The c.270dupT pathogenic mutation, located in coding exon 4 of the PMS2 gene, results from a duplication of T at nucleotide position 270, causing a translational frameshift with a predicted alternate stop codon (p.K91*). This alteration is expected to result in loss of function by premature protein truncation or nonsense-mediated mRNA decay. As such, this alteration is interpreted as a disease-causing mutation.

NM_000535.7(PMS2):c.270dup (p.Lys91Ter)

Gene: PMS2 (PMS1 homolog 2, mismatch repair system component; minus strand). Cytogenetic location: 7p22.1.
Variant type: Duplication.
Coding change: c.270dup on transcript NM_000535.7 (MANE Select); coding-DNA position 270, one base duplicated (T; older notation c.270dupT).
Protein change: p.Lys91Ter; replaces lysine 91 with a stop codon.
Molecular consequence: nonsense. On other transcripts: 5 prime UTR variant (9), frameshift variant (12), non-coding transcript variant (1), intron variant (2).
Genome position (GRCh38, 1-based): chr7:6,003,773, A duplicated on the plus strand (T on the coding strand, the reverse complement: PMS2 is on the minus strand). VCF-style (leftmost placement, unchanged base first): chr7-6003772-T-TA. GRCh37 (hg19) VCF-style: chr7-6043403-T-TA.
Other names: c.-136dup (NM_001018040.1, NM_001322003.2, NM_001322004.2 and 14 more transcripts); c.270dup, p.Lys91Ter (NM_001322006.2, NM_001322014.2); c.-615dup (NM_001322011.2, NM_001322012.2); c.-215dup (NM_001322015.2, NM_001406875.1, NM_001406877.1 and 3 more transcripts); c.456dup, p.Lys153Terfs (NM_001406866.1); c.294dup, p.Lys99Terfs (NM_001406868.1); c.270dup, p.Lys91Terfs (NM_001406869.1, NM_001406870.1, NM_001406871.1 and 6 more transcripts); c.-162dup (NM_001406880.1); and 4 more; short protein forms K91*.
Identifiers: ClinVar variation 1795052 (VCV001795052.3), dbSNP rs2536500457, ClinGen allele CA2580077021.